The following is an entry in ClinVar:

ClinVar aggregate classification (germline): Uncertain significance (1 of 4 stars; one submission).

Allele frequency attached by ClinVar (database versions not stated): gnomAD exomes below 0.00001.
gnomAD v4.1: 1 of 1,613,832 alleles (0.000062%); highest among the groups gnomAD compares: Non-Finnish European, 0.000085%; no homozygotes.

Submission:

Ambry Genetics
Classification: Uncertain significance. Last evaluated: 2021-10-01. Review status: criteria provided, single submitter. Criteria: Ambry Variant Classification Scheme 2023. Collection method: clinical testing. Allele origin: germline.
Comment: The p.I2V variant (also known as c.4A>G), located in coding exon 1 of the MLH3 gene, results from an A to G substitution at nucleotide position 4. The isoleucine at codon 2 is replaced by valine, an amino acid with highly similar properties. This amino acid position is conserved. In addition, the in silico prediction for this alteration is inconclusive. Since supporting evidence is limited at this time, the clinical significance of this alteration remains unclear.

NM_001040108.2(MLH3):c.4A>G (p.Ile2Val)

Gene: MLH3 (mutL homolog 3; minus strand). Cytogenetic location: 14q24.3.
Variant type: single nucleotide variant.
Coding change: c.4A>G on transcript NM_001040108.2 (MANE Select); coding-DNA position 4, A replaced by G.
Protein change: p.Ile2Val; replaces isoleucine 2 with valine.
Molecular consequence: missense variant.
Genome position (GRCh38, 1-based): chr14:75,049,652, T>C on the plus strand (A>G on the coding strand, the complement: MLH3 is on the minus strand). VCF-style: chr14-75049652-T-C. GRCh37 (hg19) VCF-style: chr14-75516355-T-C.
Other names: c.4A>G, p.Ile2Val (NM_014381.3); short protein forms I2V.
Identifiers: ClinVar variation 1744679 (VCV001744679.2), dbSNP rs2503339854, ClinGen allele CA390452867.
Genomic context (GRCh38, chr14:75,049,652, plus strand): 5'-AGGAGCTTATGGCCAAACCAGAACGCAATTTGGCTTGTACTTCAACTGACAAGCACTTGA[T>C]CATGGTAGGTAGAAAGATGGTGAGAATGCCAGGCACTGGTTTCCTTCTCTGACTGGAAAT-3'
Protein context (NP_001035197.1, residues 1-12): M[Ile2Val]KCLSVEVQAK